The following is an entry in ClinVar:

NM_000059.4(BRCA2):c.7508_7521delinsG (p.Val2503fs)

Gene: BRCA2 (BRCA2 DNA repair associated; plus strand). Cytogenetic location: 13q13.1.
Variant type: Indel.
Coding change: c.7508_7521delinsG on transcript NM_000059.4 (MANE Select); coding-DNA positions 7508 to 7521, TCTTTCCACAGCCA replaced by G.
Protein change: p.Val2503fs; shifts the reading frame from valine 2503.
Molecular consequence: frameshift variant. On other transcripts: non-coding transcript variant (1).
Genome position (GRCh38, 1-based): chr13:32,356,500-32,356,513, TCTTTCCACAGCCA replaced by G. VCF-style: chr13-32356500-TCTTTCCACAGCCA-G. GRCh37 (hg19) VCF-style: chr13-32930637-TCTTTCCACAGCCA-G.
Other names: c.7508_7521del14insG (NM_000059.3); c.7412_7425delinsG, p.Val2471fs (NM_001406719.1); c.7508_7521delinsG, p.Val2503fs (NM_001406720.1, NM_001432077.1); c.2576_2589delinsG, p.Val859fs (NM_001406721.1); c.1091_1104delinsG, p.Val364fs (NM_001406722.1); short protein forms V2471fs, V2503fs, V364fs, V859fs.
Identifiers: ClinVar variation 252447 (VCV000252447.4), dbSNP rs879255331, ClinGen allele CA10585934.

ClinVar aggregate classification (germline): Pathogenic. Review status: reviewed by expert panel (3 of 4 stars). 3 submissions from 3 submitters: Pathogenic (1). 2 of the submissions do not count toward it. Last evaluated 2017-12-15.

Conditions:
Hereditary cancer-predisposing syndrome. Also called: Tumor predisposition; Hereditary Cancer Syndrome; Neoplastic Syndromes, Hereditary; Hereditary neoplastic syndrome. Identifiers: Orphanet 140162, MedGen C0027672, MeSH D009386, MONDO:0015356.
Breast-ovarian cancer, familial, susceptibility to, 2 (BROVCA2). Also called: BRCA2 Hereditary Breast and Ovarian Cancer. Identifiers: Orphanet 145, MedGen C2675520, MONDO:0012933, OMIM 612555. Disease mechanism: loss of function.
Familial cancer of breast. Also called: BREAST CANCER, FAMILIAL; Hereditary breast cancer; hereditary breast carcinoma. Identifiers: Orphanet 227535, MedGen C0346153, MONDO:0016419, OMIM 114480. Disease mechanism: loss of function.

Submissions (3):

Evidence-based Network for the Interpretation of Germline Mutant Alleles (ENIGMA)
Classification: Pathogenic for Breast-ovarian cancer, familial, susceptibility to, 2. Last evaluated: 2017-12-15. Review status: reviewed by expert panel. Criteria: ENIGMA BRCA1/2 Classification Criteria (2017-06-29). Collection method: curation. Allele origin: germline. Study: ENIGMA.
Comment: Variant allele predicted to encode a truncated non-functional protein.

Ambry Genetics
Classification: Pathogenic for Hereditary cancer-predisposing syndrome. Last evaluated: 2025-09-12. Review status: criteria provided, single submitter. Criteria: Ambry Variant Classification Scheme 2023. Collection method: clinical testing. Allele origin: germline. Not counted in ClinVar's aggregate classification.
Comment: The c.7508_7521del14insG variant, located in coding exon 14 of the BRCA2 gene, results from the deletion of 14 nucleotides and insertion of one nucleotide causing a translational frameshift with a predicted alternate stop codon (p.V2503Gfs*17). This variant is considered to be rare based on population cohorts in the Genome Aggregation Database (gnomAD). This alteration is expected to result in loss of function by premature protein truncation or nonsense-mediated mRNA decay. As such, this alteration is interpreted as a disease-causing mutation.

GeneKor MSA
Classification: Pathogenic for Hereditary Breast Carcinoma. Last evaluated: 2020-01-01. Review status: criteria provided, single submitter. Criteria: ACMG Guidelines, 2015. Collection method: clinical testing. Allele origin: germline. Affected: yes. Not counted in ClinVar's aggregate classification.
Comment: This sequence change deletes 13 nucleotides and inserts one nucleotides into exon 15 of the BRCA2 mRNA (c.7508_7521delinsG ) causing a frameshift after codon 2503 and the creation of a premature translation stop signal 17 amino acid residues later p.(Val2503Glyfs) This is expected to result in an absent or disrupted protein product. Truncating variants in BRCA2 are known to be pathogenic. This mutation has been described in the mutation database ClinVar (Variation ID: 252447).